The following is an entry in ClinVar:

ClinVar aggregate classification (germline): Uncertain significance (1 of 4 stars; one submission).

Conditions:
Alacrima, achalasia, and impaired intellectual development syndrome. Also called: Alacrima, achalasia, and mental retardation syndrome; Alacrima, achalasia, and intellectual disability syndrome. Identifiers: Orphanet 869, MedGen C4706563, MONDO:0014219, OMIM 615510.

Allele frequency attached by ClinVar (database versions not stated): gnomAD exomes below 0.00001; ExAC 0.00001.

Submission:

Labcorp Genetics (formerly Invitae), Labcorp
Classification: Uncertain significance for Alacrima, achalasia, and impaired intellectual development syndrome. Last evaluated: 2023-08-04. Review status: criteria provided, single submitter. Criteria: Invitae Variant Classification Sherloc (09022015). Collection method: clinical testing. Allele origin: germline.
Comment: ClinVar contains an entry for this variant (Variation ID: 1963434). This variant has not been reported in the literature in individuals affected with GMPPA-related conditions. An algorithm developed to predict the effect of missense changes on protein structure and function (PolyPhen-2) suggests that this variant is likely to be disruptive. In summary, the available evidence is currently insufficient to determine the role of this variant in disease. Therefore, it has been classified as a Variant of Uncertain Significance. This variant is present in population databases (rs776359729, gnomAD no frequency). This sequence change replaces alanine, which is neutral and non-polar, with aspartic acid, which is acidic and polar, at codon 367 of the GMPPA protein (p.Ala367Asp).

NM_013335.4(GMPPA):c.1100C>A (p.Ala367Asp)

Genes: ASIC4-AS1 (ASIC4 antisense RNA 1; minus strand), GMPPA (GDP-mannose pyrophosphorylase A; plus strand). Cytogenetic location: 2q35.
Variant type: single nucleotide variant.
Coding change: c.1100C>A on transcript NM_013335.4 (MANE Select); coding-DNA position 1100, C replaced by A.
Protein change: p.Ala367Asp; replaces alanine 367 with aspartic acid.
Molecular consequence: missense variant.
Genome position (GRCh38, 1-based): chr2:219,506,360, C>A. VCF-style: chr2-219506360-C-A. GRCh37 (hg19) VCF-style: chr2-220371082-C-A.
Other names: c.1100C>A, p.Ala367Asp (NM_001374294.1, NM_001374295.1, NM_205847.3); short protein forms A367D.
Identifiers: ClinVar variation 1963434 (VCV001963434.5), dbSNP rs776359729, ClinGen allele CA2128421.
Genomic context (GRCh38, chr2:219,506,360, plus strand): 5'-TGGGACGCTGGGCCCGCGTGGAGGGTACCCCCAGTGACCCTAACCCCAACGATCCCCGAG[C>A]CCGCATGGACAGTGAGAGCCTCTTCAAGGACGGGAAGCTGCTGCCTGCTATCACCATCCT-3'
Protein context (NP_037467.2, residues 357-377): PSDPNPNDPR[Ala367Asp]RMDSESLFKD